The following is an entry in ClinVar:

NM_004415.4(DSP):c.3947C>G (p.Ala1316Gly)

Gene: DSP (desmoplakin; plus strand). Cytogenetic location: 6p24.3.
Variant type: single nucleotide variant.
Coding change: c.3947C>G on transcript NM_004415.4 (MANE Select); coding-DNA position 3947, C replaced by G.
Protein change: p.Ala1316Gly; replaces alanine 1316 with glycine.
Molecular consequence: missense variant. On other transcripts: intron variant (1).
Genome position (GRCh38, 1-based): chr6:7,580,137, C>G. VCF-style: chr6-7580137-C-G. GRCh37 (hg19) VCF-style: chr6-7580370-C-G.
Other names: c.3947C>G, p.Ala1316Gly (NM_001319034.2); c.3582+365C>G (NM_001008844.3); short protein forms A1316G.
Identifiers: ClinVar variation 2453274 (VCV002453274.4), dbSNP rs1392630837, ClinGen allele CA362685206.

ClinVar aggregate classification (germline): Uncertain significance. Review status: criteria provided, multiple submitters, no conflicts (2 of 4 stars). 3 submissions from 3 submitters: Uncertain significance (3). Last evaluated 2025-08-10.

Conditions:
Arrhythmogenic cardiomyopathy with wooly hair and keratoderma. Also called: PALMOPLANTAR KERATODERMA WITH LEFT VENTRICULAR CARDIOMYOPATHY AND WOOLLY HAIR; Carvajal syndrome; Dilated cardiomyopathy with woolly hair and keratoderma; Arrhythmogenic cardiomyopathy with woolly hair and keratoderma. Identifiers: Orphanet 65282, MedGen C1854063, MONDO:0011581, OMIM 605676.
Arrhythmogenic right ventricular dysplasia 8 (ARVD8). Also called: ARRHYTHMOGENIC RIGHT VENTRICULAR DYSPLASIA, FAMILIAL, 8; ARRHYTHMOGENIC RIGHT VENTRICULAR CARDIOMYOPATHY 8; Arrhythmogenic Right Ventricular Dysplasia/Cardiomyopathy 8. Identifiers: MedGen C1843896, MONDO:0011831, OMIM 607450.
Cardiovascular phenotype. Identifiers: MedGen CN230736.

gnomAD v4.1: 3 of 1,614,048 alleles (0.00019%); highest among the groups gnomAD compares: Non-Finnish European, 0.00025%; no homozygotes.

Submissions (3):

Labcorp Genetics (formerly Invitae), Labcorp
Classification: Uncertain significance for Arrhythmogenic cardiomyopathy with wooly hair and keratoderma; Arrhythmogenic right ventricular dysplasia 8. Last evaluated: 2025-08-10. Review status: criteria provided, single submitter. Criteria: Invitae Variant Classification Sherloc (09022015). Collection method: clinical testing. Allele origin: germline.
Comment: This sequence change replaces alanine, which is neutral and non-polar, with glycine, which is neutral and non-polar, at codon 1316 of the DSP protein (p.Ala1316Gly). This variant is not present in population databases (gnomAD no frequency). This variant has not been reported in the literature in individuals affected with DSP-related conditions. ClinVar contains an entry for this variant (Variation ID: 2453274). An algorithm developed to predict the effect of missense changes on protein structure and function (PolyPhen-2) suggests that this variant is likely to be disruptive. In summary, the available evidence is currently insufficient to determine the role of this variant in disease. Therefore, it has been classified as a Variant of Uncertain Significance.

All of Us Research Program, National Institutes of Health
Classification: Uncertain significance for Arrhythmogenic cardiomyopathy with wooly hair and keratoderma. Last evaluated: 2023-11-02. Review status: criteria provided, single submitter. Criteria: ACMG Guidelines, 2015. Collection method: clinical testing. Allele origin: germline. Inheritance: Autosomal dominant inheritance. Observed: 1 variant allele, 1 heterozygote.
Comment: This missense variant replaces alanine with glycine at codon 1316 of the DSP protein. Computational prediction suggests that this variant may not impact protein structure and function (internally defined REVEL score threshold <= 0.5, PMID: 27666373). To our knowledge, functional studies have not been reported for this variant. This variant has not been reported in individuals affected with DSP-related disorders in the literature. This variant has not been identified in the general population by the Genome Aggregation Database (gnomAD). The available evidence is insufficient to determine the role of this variant in disease conclusively. Therefore, this variant is classified as a Variant of Uncertain Significance.

This study involves interpretation of variants in research participants for the purpose of population health screening. Participant phenotype was not available at the time of variant classification. Additional details can be found in publication PMID: 35346344, PMCID: PMC8962531

Ambry Genetics
Classification: Uncertain significance for Cardiovascular phenotype. Last evaluated: 2023-03-08. Review status: criteria provided, single submitter. Criteria: Ambry Variant Classification Scheme 2023. Collection method: clinical testing. Allele origin: germline.
Comment: The p.A1316G variant (also known as c.3947C>G), located in coding exon 23 of the DSP gene, results from a C to G substitution at nucleotide position 3947. The alanine at codon 1316 is replaced by glycine, an amino acid with similar properties. This amino acid position is conserved. In addition, this alteration is predicted to be tolerated by in silico analysis. Since supporting evidence is limited at this time, the clinical significance of this alteration remains unclear.